The following is an entry in ClinVar:

NM_018489.3(ASH1L):c.5260A>T (p.Ser1754Cys)

Gene: ASH1L (ASH1 like histone lysine methyltransferase; minus strand). Cytogenetic location: 1q22.
Variant type: single nucleotide variant.
Coding change: c.5260A>T on transcript NM_018489.3 (MANE Select); coding-DNA position 5260, A replaced by T.
Protein change: p.Ser1754Cys; replaces serine 1754 with cysteine.
Molecular consequence: missense variant.
Genome position (GRCh38, 1-based): chr1:155,438,895, T>A on the plus strand (A>T on the coding strand, the complement: ASH1L is on the minus strand). VCF-style: chr1-155438895-T-A. GRCh37 (hg19) VCF-style: chr1-155408686-T-A.
Other names: c.5260A>T (NM_018489.2); c.5260A>T, p.Ser1754Cys (NM_001366177.2); short protein forms S1754C.
Identifiers: ClinVar variation 2639414 (VCV002639414.26), dbSNP rs150285216, ClinGen allele CA1146784.

ClinVar aggregate classification (germline): Likely benign. Review status: criteria provided, multiple submitters, no conflicts (2 of 4 stars). 3 submissions from 3 submitters: Likely benign (2). 1 of the submissions does not count toward it. Last evaluated 2025-10-01.

Conditions:
ASH1L-related disorder. Also called: ASH1L-related condition.

Allele frequency attached by ClinVar (database versions not stated): TOPMed 0.00042; gnomAD exomes 0.00058; ESP Exome Variant Server 0.00069.
gnomAD v4.1: 890 of 1,614,088 alleles (0.055%); highest among the groups gnomAD compares: Non-Finnish European, 0.071%; 1 homozygote.

Submissions (3):

CeGaT Center for Human Genetics Tuebingen
Classification: Likely benign. Last evaluated: 2025-10-01. Review status: criteria provided, single submitter. Criteria: CeGaT Center For Human Genetics Tuebingen Variant Classification Criteria Version 2. Collection method: clinical testing. Allele origin: germline. Affected: yes. Observed: 3 variant alleles.
Comment: ASH1L: BP4, BS1

Laboratory of Genetics, Children's Clinical University Hospital Latvia
Classification: Likely benign. Last evaluated: 2025-02-16. Review status: criteria provided, single submitter. Criteria: ACMG Guidelines, 2015. Collection method: clinical testing. Allele origin: germline. Affected: yes.

PreventionGenetics, part of Exact Sciences
Classification: Likely benign for ASH1L-related condition. Last evaluated: 2023-03-23. Review status: no assertion criteria provided. Collection method: clinical testing. Allele origin: germline. Not counted in ClinVar's aggregate classification.
Comment: This variant is classified as likely benign based on ACMG/AMP sequence variant interpretation guidelines (Richards et al. 2015 PMID: 25741868, with internal and published modifications).